The following is an entry in ClinVar:

NM_006736.6(DNAJB2):c.808G>C (p.Gly270Arg)

Gene: DNAJB2 (DnaJ heat shock protein family (Hsp40) member B2; plus strand). Cytogenetic location: 2q35.
Variant type: single nucleotide variant.
Coding change: c.808G>C on transcript NM_006736.6 (MANE Select); coding-DNA position 808, G replaced by C.
Protein change: p.Gly270Arg; replaces glycine 270 with arginine.
Molecular consequence: missense variant.
Genome position (GRCh38, 1-based): chr2:219,284,820, G>C. VCF-style: chr2-219284820-G-C. GRCh37 (hg19) VCF-style: chr2-220149542-G-C.
Other names: c.808G>C, p.Gly270Arg (NM_001039550.2); short protein forms G270R.
Identifiers: ClinVar variation 289991 (VCV000289991.26), dbSNP rs34127289, ClinGen allele CA2123106.

ClinVar aggregate classification (germline): Benign. Review status: criteria provided, multiple submitters, no conflicts (2 of 4 stars). 6 submissions from 6 submitters: Benign (6). Last evaluated 2026-01-27.

Conditions:
Neuronopathy, distal hereditary motor, autosomal recessive 5. Also called: NEUROPATHY, DISTAL HEREDITARY MOTOR, AUTOSOMAL RECESSIVE 5; Spinal muscular atrophy, distal, autosomal recessive, 5; Young adult-onset distal hereditary motor neuropathy. Identifiers: Orphanet 314485, Orphanet 443950, MedGen C4749918, MONDO:0013947, OMIM 614881.

Allele frequency attached by ClinVar (database versions not stated): gnomAD exomes 0.00112; ExAC 0.00367; gnomAD 0.01163; 1000 Genomes Project 30x 0.01171; 1000 Genomes Project 0.01198; ESP Exome Variant Server 0.01223; TOPMed 0.01337.

Submissions (6):

Labcorp Genetics (formerly Invitae), Labcorp
Classification: Benign for Neuronopathy, distal hereditary motor, autosomal recessive 5. Last evaluated: 2026-01-27. Review status: criteria provided, single submitter. Criteria: Invitae Variant Classification Sherloc (09022015). Collection method: clinical testing. Allele origin: germline.

Mayo Clinic Laboratories, Mayo Clinic
Classification: Benign. Last evaluated: 2021-12-21. Review status: criteria provided, single submitter. Criteria: ACMG Guidelines, 2015. Collection method: clinical testing. Allele origin: germline. Observed: 10 variant alleles.

ARUP Laboratories, Molecular Genetics and Genomics, ARUP Laboratories
Classification: Benign for Neuronopathy, distal hereditary motor, autosomal recessive 5. Last evaluated: 2021-01-25. Review status: criteria provided, single submitter. Criteria: ARUP Molecular Germline Variant Investigation Process 2021. Collection method: clinical testing. Allele origin: germline.

GeneDx
Classification: Benign. Last evaluated: 2017-03-02. Review status: criteria provided, single submitter. Criteria: GeneDx Variant Classification (06012015). Collection method: clinical testing. Allele origin: germline. Affected: yes.
Comment: This variant is considered likely benign or benign based on one or more of the following criteria: it is a conservative change, it occurs at a poorly conserved position in the protein, it is predicted to be benign by multiple in silico algorithms, and/or has population frequency not consistent with disease.

Eurofins Ntd Llc (ga)
Classification: Benign. Last evaluated: 2016-08-26. Review status: criteria provided, single submitter. Criteria: EGL Classification Definitions 2015. Collection method: clinical testing. Allele origin: germline. Observed: 1 variant allele, 1 heterozygote.

Breakthrough Genomics
Classification: Benign. Review status: criteria provided, single submitter. Criteria: ACMG Guidelines, 2015. Collection method: not provided. Allele origin: germline. Inheritance: Autosomal recessive inheritance. Affected: yes.